The following is an entry in ClinVar:

NM_001048174.2(MUTYH):c.84C>G (p.Asn28Lys)

Gene: MUTYH (mutY DNA glycosylase; minus strand). Cytogenetic location: 1p34.1.
Variant type: single nucleotide variant.
Coding change: c.84C>G on transcript NM_001048174.2 (MANE Select); coding-DNA position 84, C replaced by G.
Protein change: p.Asn28Lys; replaces asparagine 28 with lysine.
Molecular consequence: missense variant. On other transcripts: 5 prime UTR variant (4), non-coding transcript variant (2).
Genome position (GRCh38, 1-based): chr1:45,334,422, G>C on the plus strand (C>G on the coding strand, the complement: MUTYH is on the minus strand). VCF-style: chr1-45334422-G-C. GRCh37 (hg19) VCF-style: chr1-45800094-G-C.
Other names: c.84C>G, p.Asn28Lys (NM_001048171.2, NM_001048172.2, NM_001048173.2 and 2 more transcripts); c.126C>G, p.Asn42Lys (NM_001128425.2, NM_001293190.2, NM_012222.3); c.-129C>G (NM_001293192.2, NM_001293196.2); c.-188C>G (NM_001350650.2); c.-124C>G (NM_001350651.2); short protein forms N42K, N28K.
Identifiers: ClinVar variation 533298 (VCV000533298.10), dbSNP rs200514222, ClinGen allele CA340137040.

ClinVar aggregate classification (germline): Conflicting classifications of pathogenicity. Review status: criteria provided, conflicting classifications (1 of 4 stars). 2 submissions from 2 submitters: Uncertain significance (1); Benign (1). Last evaluated 2025-09-09.

Conditions:
Hereditary cancer-predisposing syndrome. Also called: Tumor predisposition; Hereditary neoplastic syndrome; Neoplastic Syndromes, Hereditary; Hereditary Cancer Syndrome. Identifiers: Orphanet 140162, MedGen C0027672, MeSH D009386, MONDO:0015356.
Familial adenomatous polyposis 2. Also called: MUTYH Polyposis; COLORECTAL ADENOMATOUS POLYPOSIS, AUTOSOMAL RECESSIVE; ADENOMAS, MULTIPLE COLORECTAL, AUTOSOMAL RECESSIVE; MUTYH-associated polyposis; MUTYH-related attenuated familial adenomatous polyposis; Adenomas, multiple colorectal. Identifiers: Orphanet 220460, Orphanet 247798, MedGen C3272841, MONDO:0012041, OMIM 608456.

gnomAD v4.1: 2 of 1,614,148 alleles (0.00012%); highest among the groups gnomAD compares: Admixed American, 0.0017%; no homozygotes.

Submissions (2):

Ambry Genetics
Classification: Benign for Hereditary cancer-predisposing syndrome. Last evaluated: 2025-09-09. Review status: criteria provided, single submitter. Criteria: Ambry Variant Classification Scheme 2023. Collection method: clinical testing. Allele origin: germline.

Labcorp Genetics (formerly Invitae), Labcorp
Classification: Uncertain significance for Familial adenomatous polyposis 2. Last evaluated: 2023-09-19. Review status: criteria provided, single submitter. Criteria: Invitae Variant Classification Sherloc (09022015). Collection method: clinical testing. Allele origin: germline.
Comment: An algorithm developed to predict the effect of missense changes on protein structure and function (PolyPhen-2) suggests that this variant is likely to be tolerated. ClinVar contains an entry for this variant (Variation ID: 533298). This variant has not been reported in the literature in individuals affected with MUTYH-related conditions. This variant is not present in population databases (gnomAD no frequency). This sequence change replaces asparagine, which is neutral and polar, with lysine, which is basic and polar, at codon 42 of the MUTYH protein (p.Asn42Lys). In summary, the available evidence is currently insufficient to determine the role of this variant in disease. Therefore, it has been classified as a Variant of Uncertain Significance.